The following is an entry in ClinVar:

NM_002292.4(LAMB2):c.1104T>G (p.Asn368Lys)

Gene: LAMB2 (laminin subunit beta 2; minus strand). Cytogenetic location: 3p21.31.
Variant type: single nucleotide variant.
Coding change: c.1104T>G on transcript NM_002292.4 (MANE Select); coding-DNA position 1104, T replaced by G.
Protein change: p.Asn368Lys; replaces asparagine 368 with lysine.
Molecular consequence: missense variant.
Genome position (GRCh38, 1-based): chr3:49,130,352, A>C on the plus strand (T>G on the coding strand, the complement: LAMB2 is on the minus strand). VCF-style: chr3-49130352-A-C. GRCh37 (hg19) VCF-style: chr3-49167785-A-C.
Other names: short protein forms N368K.
Identifiers: ClinVar variation 988165 (VCV000988165.1), dbSNP rs2045467851, ClinGen allele CA352743435.

ClinVar aggregate classification (germline): Uncertain significance (0 of 4 stars; one submission).

Conditions:
Nephrotic syndrome. Identifiers: MedGen C0027726, MONDO:0005377, HP:0000100.

Submission:

Sydney Genome Diagnostics, Children's Hospital Westmead
Classification: Uncertain significance for Nephrotic syndrome. Last evaluated: 2018-06-19. Review status: no assertion criteria provided. Collection method: clinical testing. Allele origin: unknown. Affected: yes. Observed: 1 variant allele, 1 compound heterozygote.
Comment: The variant has not been reported in any population databases (i.e. gnomAD, ExAC, ESP or dbSNP). To our knowledge, this variant has not been previously reported in the literature or any disease specific databases. In silico analysis of pathogenicity (through Alamut Visual v2.8.1) using PolyPhen2, SIFT and MutationTaster suggest that this variant is likely to be pathogenic. However, this analysis alone cannot be used to confirm pathogenicity. This variant is considered to be a variant of uncertain clinical significance (VOUS) according to the ACMG guidelines.